The following is an entry in ClinVar:

NM_002769.5(PRSS1):c.482T>G (p.Leu161Arg)

Genes: PRSS1 (serine protease 1; plus strand), TRB (T cell receptor beta locus; plus strand). Cytogenetic location: 7q34.
Variant type: single nucleotide variant.
Coding change: c.482T>G on transcript NM_002769.5 (MANE Select); coding-DNA position 482, T replaced by G.
Protein change: p.Leu161Arg; replaces leucine 161 with arginine.
Molecular consequence: missense variant. On other transcripts: non-coding transcript variant (5).
Genome position (GRCh38, 1-based): chr7:142,752,458, T>G. VCF-style: chr7-142752458-T-G. GRCh37 (hg19) VCF-style: chr7-142460309-T-G.
Other names: short protein forms L161R.
Identifiers: ClinVar variation 1743426 (VCV001743426.3), dbSNP rs777441424, ClinGen allele CA369609476.

ClinVar aggregate classification (germline): Uncertain significance (1 of 4 stars; one submission).

Conditions:
Hereditary pancreatitis (PCTT). Also called: Hereditary chronic pancreatitis; PRSS1-Related Hereditary Pancreatitis. Identifiers: Orphanet 676, MedGen C0238339, MONDO:0008185, OMIM 167800.

Allele frequency attached by ClinVar (database versions not stated): gnomAD exomes below 0.00001.
gnomAD v4.1: 4 of 1,614,162 alleles (0.00025%); highest among the groups gnomAD compares: Non-Finnish European, 0.00034%; no homozygotes.

Submission:

Ambry Genetics
Classification: Uncertain significance for Hereditary pancreatitis. Last evaluated: 2024-05-22. Review status: criteria provided, single submitter. Criteria: Ambry Variant Classification Scheme 2023. Collection method: clinical testing. Allele origin: germline.
Comment: The p.L161R variant (also known as c.482T>G), located in coding exon 4 of the PRSS1 gene, results from a T to G substitution at nucleotide position 482. The leucine at codon 161 is replaced by arginine, an amino acid with dissimilar properties. This amino acid position is conserved. In addition, this alteration is predicted to be deleterious by in silico analysis. Since supporting evidence is limited at this time, the clinical significance of this alteration remains unclear.